The following is an entry in ClinVar:

ClinVar aggregate classification (germline): Likely pathogenic (1 of 4 stars; one submission).

Conditions:
Mucopolysaccharidosis, MPS-II (MPS2). Also called: Mucopolysaccharidosis with skin involvement; Attenuated MPS (subtype; formerly known as mild MPS II); Severe MPS II; I2S deficiency; MPS 2; Hunter Syndrome. Identifiers: Orphanet 580, Orphanet 79388, MedGen C0026705, MONDO:0010674, OMIM 309900.

Submission:

Neuberg Centre For Genomic Medicine, NCGM
Classification: Likely pathogenic for Mucopolysaccharidosis, MPS-II. Review status: criteria provided, single submitter. Criteria: ACMG Guidelines, 2015. Collection method: clinical testing. Allele origin: germline. Inheritance: X-linked inheritance. Affected: yes.
Comment: The frameshift c.1170del (p.Met391TrpfsTer49) variant has not been reported previously as a pathogenic variant nor as a benign variant, to our knowledge. The p.Met391TrpfsTer49 variant is novel (not in any individuals) in gnomAD Exomes and is novel (not in any individuals) in 1000 Genomes. This variant has not been reported to the ClinVar database. This variant causes a frameshift starting with codon Methionine 391, changes this amino acid to Tryptophan residue, and creates a premature Stop codon at position 49 of the new reading frame, denoted p.Met391TrpfsTer49. Loss of function variants have been previously reported to be disease causing. Hence this variant has been classified as Likely Pathogenic.

NM_000202.8(IDS):c.1170del (p.Met391fs)

Genes: IDS (iduronate 2-sulfatase; minus strand), LOC106050102 (IDS recombination region; plus strand). Cytogenetic location: Xq28.
Variant type: Deletion.
Coding change: c.1170del on transcript NM_000202.8 (MANE Select); coding-DNA position 1170, one base deleted (G; older notation c.1170delG).
Protein change: p.Met391fs; shifts the reading frame from methionine 391.
Molecular consequence: frameshift variant.
Genome position (GRCh38, 1-based): chrX:149,486,935, C deleted on the plus strand (G on the coding strand, the reverse complement: IDS is on the minus strand). VCF-style (leftmost placement, unchanged base first): chrX-149486934-TC-T. GRCh37 (hg19) VCF-style: chrX-148568465-TC-T.
Other names: c.900del, p.Met301fs (NM_001166550.4); short protein forms M301fs, M391fs.
Identifiers: ClinVar variation 2584938 (VCV002584938.1), dbSNP rs2520782845, ClinGen allele CA2582342935.